The following is an entry in ClinVar:

NM_000291.4(PGK1):c.158A>G (p.Asn53Ser)

Gene: PGK1 (phosphoglycerate kinase 1; plus strand). Cytogenetic location: Xq21.1.
Variant type: single nucleotide variant.
Coding change: c.158A>G on transcript NM_000291.4 (MANE Select); coding-DNA position 158, A replaced by G.
Protein change: p.Asn53Ser; replaces asparagine 53 with serine.
Molecular consequence: missense variant.
Genome position (GRCh38, 1-based): chrX:78,113,785, A>G. VCF-style: chrX-78113785-A-G. GRCh37 (hg19) VCF-style: chrX-77369282-A-G.
Other names: short protein forms N53S.
Identifiers: ClinVar variation 2989689 (VCV002989689.4), dbSNP rs1557247111, ClinGen allele CA413718848.

ClinVar aggregate classification (germline): Uncertain significance. Review status: criteria provided, multiple submitters, no conflicts (2 of 4 stars). 2 submissions from 2 submitters: Uncertain significance (2). Last evaluated 2025-11-24.

Allele frequency attached by ClinVar (database versions not stated): gnomAD exomes below 0.00001; TOPMed below 0.00001.
gnomAD v4.1: 4 of 1,209,215 alleles (0.00033%); highest among the groups gnomAD compares: East Asian, 0.003%; no homozygotes.

Submissions (2):

Labcorp Genetics (formerly Invitae), Labcorp
Classification: Uncertain significance. Last evaluated: 2025-11-24. Review status: criteria provided, single submitter. Criteria: Invitae Variant Classification Sherloc (09022015). Collection method: clinical testing. Allele origin: germline.
Comment: This sequence change replaces asparagine, which is neutral and polar, with serine, which is neutral and polar, at codon 53 of the PGK1 protein (p.Asn53Ser). This variant is present in population databases (no rsID available, gnomAD 0.004%). This variant has not been reported in the literature in individuals affected with PGK1-related conditions. ClinVar contains an entry for this variant (Variation ID: 2989689). Invitae Evidence Modeling of protein sequence and biophysical properties (such as structural, functional, and spatial information, amino acid conservation, physicochemical variation, residue mobility, and thermodynamic stability) indicates that this missense variant is not expected to disrupt PGK1 protein function with a negative predictive value of 80%. In summary, the available evidence is currently insufficient to determine the role of this variant in disease. Therefore, it has been classified as a Variant of Uncertain Significance.

Women's Health and Genetics/Laboratory Corporation of America, LabCorp
Classification: Uncertain significance. Last evaluated: 2024-09-23. Review status: criteria provided, single submitter. Criteria: LabCorp Variant Classification Summary - May 2015. Collection method: clinical testing. Allele origin: germline.
Comment: Variant summary: PGK1 c.158A>G (p.Asn53Ser) results in a conservative amino acid change in the encoded protein sequence. Five of five in-silico tools predict a benign effect of the variant on protein function. The variant allele was found at a frequency of 1.1e-05 in 183169 control chromosomes. The available data on variant occurrences in the general population are insufficient to allow any conclusion about variant significance. To our knowledge, no occurrence of c.158A>G in individuals affected with Glycogen Storage Disease Due To Phosphoglycerate Kinase 1 Deficiency and no experimental evidence demonstrating its impact on protein function have been reported. ClinVar contains an entry for this variant (Variation ID: 2989689). Based on the evidence outlined above, the variant was classified as uncertain significance.